The following is an entry in ClinVar:

NM_020975.6(RET):c.3139C>G (p.Pro1047Ala)

Gene: RET (ret proto-oncogene; plus strand). Cytogenetic location: 10q11.21.
Variant type: single nucleotide variant.
Coding change: c.3139C>G on transcript NM_020975.6 (MANE Select); coding-DNA position 3139, C replaced by G.
Protein change: p.Pro1047Ala; replaces proline 1047 with alanine.
Molecular consequence: missense variant. On other transcripts: intron variant (4).
Genome position (GRCh38, 1-based): chr10:43,126,674, C>G. VCF-style: chr10-43126674-C-G. GRCh37 (hg19) VCF-style: chr10-43622122-C-G.
Other names: c.2377C>G, p.Pro793Ala (NM_001355216.2); c.3139C>G, p.Pro1047Ala (NM_001406743.1, NM_001406744.1, NM_020630.7); c.3010C>G, p.Pro1004Ala (NM_001406761.1, NM_001406762.1, NM_001406764.1); c.3004C>G, p.Pro1002Ala (NM_001406763.1, NM_001406765.1); c.2851C>G, p.Pro951Ala (NM_001406766.1, NM_001406767.1, NM_001406770.1); c.2875C>G, p.Pro959Ala (NM_001406768.1); c.2743C>G, p.Pro915Ala (NM_001406769.1, NM_001406772.1); c.2701C>G, p.Pro901Ala (NM_001406771.1, NM_001406773.1); and 13 more; short protein forms P1002A, P1004A, P1047A, P564A, P612A, P652A, P703A, P705A.
Identifiers: ClinVar variation 4757922 (VCV004757922.1).
Genomic context (GRCh38, chr10:43,126,674, plus strand): 5'-CTGATTTATGACGACGGCCTCTCAGAGGAGGAGACACCGCTGGTGGACTGTAATAATGCC[C>G]CCCTCCCTCGAGCCCTCCCTTCCACATGGATTGAAAACAAACTCTATGGTAGAATTTCCC-3'
Protein context (NP_066124.1, residues 1037-1057): ETPLVDCNNA[Pro1047Ala]LPRALPSTWI

ClinVar aggregate classification (germline): Uncertain significance (1 of 4 stars; one submission).

Conditions:
Multiple endocrine neoplasia, type 2 (MEN2). Identifiers: Orphanet 653, MedGen C4048306, MONDO:0019003. Disease mechanism: gain of function.

Submission:

Color Diagnostics, LLC DBA Color Health
Classification: Uncertain significance for Multiple endocrine neoplasia, type 2. Last evaluated: 2025-08-24. Review status: criteria provided, single submitter. Criteria: ACMG Guidelines, 2015. Collection method: clinical testing. Allele origin: germline.
Comment: This missense variant replaces proline with alanine at codon 1047 of the RET protein. Computational prediction is inconclusive regarding the impact of this variant on protein structure and function. To our knowledge, functional studies have not been reported for this variant. This variant has not been reported in individuals affected with RET-related disorders in the literature. This variant has not been identified in the general population by the Genome Aggregation Database (gnomAD). The available evidence is insufficient to determine the role of this variant in disease conclusively. Therefore, this variant is classified as a Variant of Uncertain Significance.